The following is an entry in ClinVar:

ClinVar aggregate classification (germline): Conflicting classifications of pathogenicity. Review status: criteria provided, conflicting classifications (1 of 4 stars). 3 submissions from 3 submitters: Uncertain significance (2); Likely benign (1). Last evaluated 2024-12-16.

Conditions:
Autoimmune interstitial lung disease-arthritis syndrome. Also called: Autoinflammation and autoimmunity, systemic, with immune dysregulation. Identifiers: Orphanet 444092, MedGen C5975714, MONDO:0014629.

Allele frequency attached by ClinVar (database versions not stated): TOPMed below 0.00001; ExAC 0.00001; gnomAD 0.00001; gnomAD exomes 0.00001.
gnomAD v4.1: 11 of 1,613,982 alleles (0.00068%); highest among the groups gnomAD compares: Admixed American, 0.0017%; no homozygotes.

Submissions (3):

Labcorp Genetics (formerly Invitae), Labcorp
Classification: Likely benign for Autoimmune interstitial lung disease-arthritis syndrome. Last evaluated: 2024-12-16. Review status: criteria provided, single submitter. Criteria: Invitae Variant Classification Sherloc (09022015). Collection method: clinical testing. Allele origin: germline.

Blueprint Genetics
Classification: Uncertain significance. Last evaluated: 2024-10-03. Review status: criteria provided, single submitter. Criteria: ACMG Guidelines, 2015. Collection method: clinical testing. Allele origin: germline.

GeneDx
Classification: Uncertain significance. Last evaluated: 2023-04-18. Review status: criteria provided, single submitter. Criteria: GeneDx Variant Classification Process June 2021. Collection method: clinical testing. Allele origin: germline. Affected: yes.
Comment: In silico analysis supports that this missense variant has a deleterious effect on protein structure/function; Has not been previously published as pathogenic or benign to our knowledge

NM_004371.4(COPA):c.1586G>A (p.Arg529His)

Gene: COPA (coat protein complex I subunit alpha; minus strand). Cytogenetic location: 1q23.2.
Variant type: single nucleotide variant.
Coding change: c.1586G>A on transcript NM_004371.4 (MANE Select); coding-DNA position 1586, G replaced by A.
Protein change: p.Arg529His; replaces arginine 529 with histidine.
Molecular consequence: missense variant.
Genome position (GRCh38, 1-based): chr1:160,305,514, C>T on the plus strand (G>A on the coding strand, the complement: COPA is on the minus strand). VCF-style: chr1-160305514-C-T. GRCh37 (hg19) VCF-style: chr1-160275304-C-T.
Other names: c.1613G>A, p.Arg538His (NM_001098398.2); short protein forms R529H, R538H.
Identifiers: ClinVar variation 949283 (VCV000949283.8), dbSNP rs755234198, ClinGen allele CA1198054.